The following is an entry in ClinVar:

NM_020401.4(NUP107):c.1582A>G (p.Met528Val)

Gene: NUP107 (nucleoporin 107; plus strand). Cytogenetic location: 12q15.
Variant type: single nucleotide variant.
Coding change: c.1582A>G on transcript NM_020401.4 (MANE Select); coding-DNA position 1582, A replaced by G.
Protein change: p.Met528Val; replaces methionine 528 with valine.
Molecular consequence: missense variant.
Genome position (GRCh38, 1-based): chr12:68,726,504, A>G. VCF-style: chr12-68726504-A-G. GRCh37 (hg19) VCF-style: chr12-69120284-A-G.
Other names: c.1495A>G, p.Met499Val (NM_001330192.2); short protein forms M499V, M528V.
Identifiers: ClinVar variation 3358274 (VCV003358274.1).

ClinVar aggregate classification (germline): Uncertain significance (0 of 4 stars; one submission).

Conditions:
NUP107-related disorder. Also called: NUP107-related condition.

gnomAD v4.1: 60 of 1,605,980 alleles (0.0037%); highest among the groups gnomAD compares: South Asian, 0.064%; no homozygotes.

Submission:

PreventionGenetics, part of Exact Sciences
Classification: Uncertain significance for NUP107-related condition. Last evaluated: 2024-04-23. Review status: no assertion criteria provided. Collection method: clinical testing. Allele origin: germline.
Comment: The NUP107 c.1582A>G variant is predicted to result in the amino acid substitution p.Met528Val. To our knowledge, this variant has not been reported in the literature. This variant is reported in 0.049% of alleles in individuals of South Asian descent in gnomAD. At this time, the clinical significance of this variant is uncertain due to the absence of conclusive functional and genetic evidence.